The following is an entry in ClinVar:

ClinVar aggregate classification (germline): Uncertain significance. Review status: criteria provided, multiple submitters, no conflicts (2 of 4 stars). 2 submissions from 2 submitters: Uncertain significance (2). Last evaluated 2025-06-23.

Conditions:
Hereditary cancer-predisposing syndrome. Also called: Hereditary neoplastic syndrome; Hereditary Cancer Syndrome; Neoplastic Syndromes, Hereditary; Tumor predisposition. Identifiers: Orphanet 140162, MedGen C0027672, MeSH D009386, MONDO:0015356.
Familial adenomatous polyposis 1 (FAP1). Also called: FAMILIAL ADENOMATOUS POLYPOSIS 1, ATTENUATED; POLYPOSIS, ADENOMATOUS INTESTINAL. Identifiers: MedGen C2713442, MONDO:0021056, OMIM 175100. Disease mechanism: loss of function.

Allele frequency attached by ClinVar (database versions not stated): TOPMed below 0.00001; gnomAD 0.00001; gnomAD exomes 0.00001.
gnomAD v4.1: 6 of 1,602,886 alleles (0.00037%); highest among the groups gnomAD compares: Non-Finnish European, 0.00051%; no homozygotes.

Submissions (2):

Color Diagnostics, LLC DBA Color Health
Classification: Uncertain significance for Hereditary cancer-predisposing syndrome. Last evaluated: 2025-06-23. Review status: criteria provided, single submitter. Criteria: ACMG Guidelines, 2015. Collection method: clinical testing. Allele origin: germline.
Comment: This missense variant replaces lysine with arginine at codon 2814 of the APC protein. Computational prediction suggests that this variant may not impact protein structure and function. To our knowledge, functional studies have not been reported for this variant. This variant has not been reported in individuals affected with APC-related disorders in the literature. This variant has not been identified in the general population by the Genome Aggregation Database (gnomAD). The available evidence is insufficient to determine the role of this variant in disease conclusively. Therefore, this variant is classified as a Variant of Uncertain Significance.

Labcorp Genetics (formerly Invitae), Labcorp
Classification: Uncertain significance for Familial adenomatous polyposis 1. Last evaluated: 2023-04-14. Review status: criteria provided, single submitter. Criteria: Invitae Variant Classification Sherloc (09022015). Collection method: clinical testing. Allele origin: germline.
Comment: In summary, the available evidence is currently insufficient to determine the role of this variant in disease. Therefore, it has been classified as a Variant of Uncertain Significance. Advanced modeling of protein sequence and biophysical properties (such as structural, functional, and spatial information, amino acid conservation, physicochemical variation, residue mobility, and thermodynamic stability) performed at Invitae indicates that this missense variant is not expected to disrupt APC protein function. ClinVar contains an entry for this variant (Variation ID: 236657). This variant has not been reported in the literature in individuals affected with APC-related conditions. This variant is not present in population databases (gnomAD no frequency). This sequence change replaces lysine, which is basic and polar, with arginine, which is basic and polar, at codon 2814 of the APC protein (p.Lys2814Arg).

NM_000038.6(APC):c.8441A>G (p.Lys2814Arg)

Gene: APC (APC regulator of Wnt signaling pathway; plus strand). Cytogenetic location: 5q22.2.
Variant type: single nucleotide variant.
Coding change: c.8441A>G on transcript NM_000038.6 (MANE Select); coding-DNA position 8441, A replaced by G.
Protein change: p.Lys2814Arg; replaces lysine 2814 with arginine.
Molecular consequence: missense variant.
Genome position (GRCh38, 1-based): chr5:112,844,035, A>G. VCF-style: chr5-112844035-A-G. GRCh37 (hg19) VCF-style: chr5-112179732-A-G.
Other names: c.8441A>G, p.Lys2814Arg (NM_001127510.3, NM_001354895.2); c.8387A>G, p.Lys2796Arg (NM_001127511.3); c.8495A>G, p.Lys2832Arg (NM_001354896.2); c.8471A>G, p.Lys2824Arg (NM_001354897.2); c.8366A>G, p.Lys2789Arg (NM_001354898.2); c.8357A>G, p.Lys2786Arg (NM_001354899.2); c.8318A>G, p.Lys2773Arg (NM_001354900.2); c.8264A>G, p.Lys2755Arg (NM_001354901.2); and 5 more; short protein forms K2796R, K2814R, K2723R, K2824R, K2832R, K2654R, K2713R, K2786R.
Identifiers: ClinVar variation 236657 (VCV000236657.9), dbSNP rs878853477, ClinGen allele CA10582346.
Genomic context (GRCh38, chr5:112,844,035, plus strand): 5'-GCGCAGATAGCACTTCAGCTCGGCCATCTCAGATCCCAACTCCAGTGAATAACAACACAA[A>G]GAAGCGAGATTCCAAAACTGACAGCACAGAATCCAGTGGAACCCAAAGTCCTAAGCGCCA-3'
Protein context (NP_000029.2, residues 2804-2824): QIPTPVNNNT[Lys2814Arg]KRDSKTDSTE